The following is an entry in ClinVar:

NM_003999.3(OSMR):c.132G>A (p.Thr44=)

Gene: OSMR (oncostatin M receptor; plus strand). Cytogenetic location: 5p13.1.
Variant type: single nucleotide variant.
Coding change: c.132G>A on transcript NM_003999.3 (MANE Select); coding-DNA position 132, G replaced by A.
Protein change: p.Thr44=; no amino-acid change (threonine 44 retained).
Molecular consequence: synonymous variant.
Genome position (GRCh38, 1-based): chr5:38,876,259, G>A. VCF-style: chr5-38876259-G-A. GRCh37 (hg19) VCF-style: chr5-38876361-G-A.
Other names: c.132G>A, p.Thr44= (NM_001168355.3, NM_001323504.2, NM_001323505.2 and 2 more transcripts).
Identifiers: ClinVar variation 776041 (VCV000776041.7), dbSNP rs16867807, ClinGen allele CA3243682.
Genomic context (GRCh38, chr5:38,876,259, plus strand): 5'-AGTCTTGGCTGAACGTTTACCATTGACTCCTGTATCACTTAAAGTTTCCACCAATTCTAC[G>A]CGTCAGAGTTTGCACTTACAATGGACTGTCCACAACCTTCCTTATCATCAGGAATTGAAA-3'
Protein context (NP_003990.1, residues 34-54): PVSLKVSTNS[Thr44=]RQSLHLQWTV

ClinVar aggregate classification (germline): Benign. Review status: criteria provided, multiple submitters, no conflicts (2 of 4 stars). 3 submissions from 3 submitters: Benign (2). 1 of the submissions does not count toward it. Last evaluated 2019-12-31.

Conditions:
OSMR-related disorder. Also called: OSMR-related condition.

Allele frequency attached by ClinVar (database versions not stated): gnomAD exomes 0.00600; ExAC 0.00750; gnomAD 0.02201 and 0.02375; 1000 Genomes Project 0.02496; TOPMed 0.02562; 1000 Genomes Project 30x 0.02780; ESP Exome Variant Server 0.02783.
gnomAD v4.1: 6,862 of 1,613,418 alleles (0.43%); highest among the groups gnomAD compares: African/African-American, 7.9%; 272 homozygotes.

Submissions (3):

Labcorp Genetics (formerly Invitae), Labcorp
Classification: Benign. Last evaluated: 2019-12-31. Review status: criteria provided, single submitter. Criteria: Invitae Variant Classification Sherloc (09022015). Collection method: clinical testing. Allele origin: germline.

Breakthrough Genomics
Classification: Benign. Review status: criteria provided, single submitter. Criteria: ACMG Guidelines, 2015. Collection method: not provided. Allele origin: germline. Inheritance: Autosomal dominant inheritance. Affected: yes.

PreventionGenetics, part of Exact Sciences
Classification: Benign for OSMR-related condition. Last evaluated: 2019-04-04. Review status: no assertion criteria provided. Collection method: clinical testing. Allele origin: germline. Not counted in ClinVar's aggregate classification.
Comment: This variant is classified as benign based on ACMG/AMP sequence variant interpretation guidelines (Richards et al. 2015 PMID: 25741868, with internal and published modifications).